The following is an entry in ClinVar:

NM_001848.3(COL6A1):c.928_930+23del

Gene: COL6A1 (collagen type VI alpha 1 chain; plus strand). Cytogenetic location: 21q22.3.
Variant type: Deletion.
Coding change: c.928_930+23del on transcript NM_001848.3 (MANE Select); coding-DNA position 928 through 23 bases into the intron after coding-DNA position 930, 26 bases deleted (AAGGTGAGTGAGGCTCGACCTCGGAG).
Molecular consequence: splice donor variant.
Genome position (GRCh38, 1-based): chr21:45,989,776-45,989,801, AAGGTGAGTGAGGCTCGACCTCGGAG deleted; deleting any 26 consecutive bases within chr21:45,989,772-45,989,801 gives the same sequence; the c. name uses the placement nearest the transcript's 3' end. VCF-style (leftmost placement, unchanged base first): chr21-45989771-GGGAGAAGGTGAGTGAGGCTCGACCTC-G. GRCh37 (hg19) VCF-style: chr21-47409685-GGGAGAAGGTGAGTGAGGCTCGACCTC-G.
Identifiers: ClinVar variation 2823564 (VCV002823564.3), dbSNP rs2526322096, ClinGen allele CA2739265635.

ClinVar aggregate classification (germline): Likely pathogenic (1 of 4 stars; one submission).

Conditions:
Bethlem myopathy 1A. Also called: Bethlem myopathy 1; MYOPATHY, BENIGN CONGENITAL, WITH CONTRACTURES; Bethlem Muscular Dystrophy. Identifiers: Orphanet 610, MedGen CN029274, MONDO:0024530, OMIM 158810.

Submission:

Labcorp Genetics (formerly Invitae), Labcorp
Classification: Likely pathogenic for Bethlem myopathy 1A. Last evaluated: 2023-09-04. Review status: criteria provided, single submitter. Criteria: Invitae Variant Classification Sherloc (09022015). Collection method: clinical testing. Allele origin: germline.
Comment: This variant results in the deletion of part of exon 11 (c.928_930+23del) of the COL6A1 gene. It is expected to disrupt RNA splicing. Variants that disrupt the donor or acceptor splice site typically lead to a loss of protein function (PMID: 16199547), and loss-of-function variants in COL6A1 are known to be pathogenic (PMID: 19884007, 20976770). This variant is not present in population databases (gnomAD no frequency). This variant has not been reported in the literature in individuals affected with COL6A1-related conditions. In summary, the currently available evidence indicates that the variant is pathogenic, but additional data are needed to prove that conclusively. Therefore, this variant has been classified as Likely Pathogenic.

Literature cited by the submitters: PubMed 16199547; PubMed 19884007; PubMed 20976770.